The following is an entry in ClinVar:

NM_002691.4(POLD1):c.974T>A (p.Ile325Asn)

Gene: POLD1 (DNA polymerase delta 1, catalytic subunit; plus strand). Cytogenetic location: 19q13.33.
Variant type: single nucleotide variant.
Coding change: c.974T>A on transcript NM_002691.4 (MANE Select); coding-DNA position 974, T replaced by A.
Protein change: p.Ile325Asn; replaces isoleucine 325 with asparagine.
Molecular consequence: missense variant. On other transcripts: non-coding transcript variant (1).
Genome position (GRCh38, 1-based): chr19:50,403,056, T>A. VCF-style: chr19-50403056-T-A. GRCh37 (hg19) VCF-style: chr19-50906313-T-A.
Other names: c.974T>A, p.Ile325Asn (NM_001256849.1, NM_001308632.1); short protein forms I325N.
Identifiers: ClinVar variation 947127 (VCV000947127.9), dbSNP rs2038720962, ClinGen allele CA406977676.

ClinVar aggregate classification (germline): Uncertain significance (1 of 4 stars; one submission).

Conditions:
POLD1-related polyposis and colorectal cancer syndrome (CRCS10). Also called: Colorectal cancer 10; COLORECTAL CANCER, SUSCEPTIBILITY TO, ON CHROMOSOME 19q; Colorectal cancer, susceptibility to, 10. Identifiers: Orphanet 220460, MedGen C2675481, MONDO:0012953, OMIM 612591.

Allele frequency attached by ClinVar (database versions not stated): gnomAD exomes below 0.00001.
gnomAD v4.1: 1 of 1,557,720 alleles (0.000064%); highest among the groups gnomAD compares: Non-Finnish European, 0.000087%; no homozygotes.

Submission:

Labcorp Genetics (formerly Invitae), Labcorp
Classification: Uncertain significance for POLD1-related polyposis and colorectal cancer syndrome. Last evaluated: 2022-07-29. Review status: criteria provided, single submitter. Criteria: Invitae Variant Classification Sherloc (09022015). Collection method: clinical testing. Allele origin: germline.
Comment: This sequence change replaces isoleucine, which is neutral and non-polar, with asparagine, which is neutral and polar, at codon 325 of the POLD1 protein (p.Ile325Asn). In summary, the available evidence is currently insufficient to determine the role of this variant in disease. Therefore, it has been classified as a Variant of Uncertain Significance. Algorithms developed to predict the effect of missense changes on protein structure and function are either unavailable or do not agree on the potential impact of this missense change (SIFT: "Deleterious"; PolyPhen-2: "Probably Damaging"; Align-GVGD: "Class C0"). ClinVar contains an entry for this variant (Variation ID: 947127). This missense change has been observed in individual(s) with breast cancer (PMID: 32792570). This variant is not present in population databases (gnomAD no frequency).

Literature cited by the submitters: PubMed 32792570.